The following is an entry in ClinVar:

ClinVar aggregate classification (germline): Uncertain significance. Review status: criteria provided, multiple submitters, no conflicts (2 of 4 stars). 2 submissions from 2 submitters: Uncertain significance (2). Last evaluated 2026-04-16.

Conditions:
Inborn genetic diseases. Identifiers: MedGen C0950123, MeSH D030342.
GNE myopathy (NM). Also called: INCLUSION BODY MYOPATHY, HEREDITARY, AUTOSOMAL RECESSIVE; INCLUSION BODY MYOPATHY 2, AUTOSOMAL RECESSIVE; MYOPATHY, DISTAL, WITH OR WITHOUT RIMMED VACUOLES; NONAKA DISTAL MYOPATHY; IBM 2; Inclusion body myopathy autosomal recessive. Identifiers: Orphanet 602, MedGen C1853926, MONDO:0011603, OMIM 605820.
Sialuria. Also called: SIALURIA, FRENCH TYPE; Sialic Acid Storage Disease. Identifiers: Orphanet 3166, MedGen C0342853, MONDO:0010028, OMIM 269921.

Allele frequency attached by ClinVar (database versions not stated): ExAC 0.00001; gnomAD 0.00001; TOPMed 0.00001.
gnomAD v4.1: 6 of 1,610,700 alleles (0.00037%); highest among the groups gnomAD compares: South Asian, 0.0022%; no homozygotes.

Submissions (2):

Ambry Genetics
Classification: Uncertain significance for Inborn genetic diseases. Last evaluated: 2026-04-16. Review status: criteria provided, single submitter. Criteria: Ambry Variant Classification Scheme 2023. Collection method: clinical testing. Allele origin: germline.
Comment: The c.1406A>T (p.N469I) alteration is located in exon 8 (coding exon 8) of the GNE gene. This alteration results from a A to T substitution at nucleotide position 1406, causing the asparagine (N) at amino acid position 469 to be replaced by an isoleucine (I). Based on data from gnomAD, the T allele has an overall frequency of 0.001% (2/251340) total alleles studied. The highest observed frequency was 0.002% (2/113696) of European (non-Finnish) alleles. Based on insufficient or conflicting evidence, the clinical significance of this alteration remains unclear.

Labcorp Genetics (formerly Invitae), Labcorp
Classification: Uncertain significance for Sialuria; GNE myopathy. Last evaluated: 2024-03-24. Review status: criteria provided, single submitter. Criteria: Invitae Variant Classification Sherloc (09022015). Collection method: clinical testing. Allele origin: germline.
Comment: This sequence change replaces asparagine, which is neutral and polar, with isoleucine, which is neutral and non-polar, at codon 469 of the GNE protein (p.Asn469Ile). This variant is present in population databases (rs772723683, gnomAD 0.002%). This variant has not been reported in the literature in individuals affected with GNE-related conditions. ClinVar contains an entry for this variant (Variation ID: 1513191). Advanced modeling of protein sequence and biophysical properties (such as structural, functional, and spatial information, amino acid conservation, physicochemical variation, residue mobility, and thermodynamic stability) has been performed at Invitae for this missense variant, however the output from this modeling did not meet the statistical confidence thresholds required to predict the impact of this variant on GNE protein function. In summary, the available evidence is currently insufficient to determine the role of this variant in disease. Therefore, it has been classified as a Variant of Uncertain Significance.

NM_005476.7(GNE):c.1313A>T (p.Asn438Ile)

Gene: GNE (glucosamine (UDP-N-acetyl)-2-epimerase/N-acetylmannosamine kinase; minus strand). Cytogenetic location: 9p13.3.
Variant type: single nucleotide variant.
Coding change: c.1313A>T on transcript NM_005476.7 (MANE Select); coding-DNA position 1313, A replaced by T.
Protein change: p.Asn438Ile; replaces asparagine 438 with isoleucine.
Molecular consequence: missense variant.
Genome position (GRCh38, 1-based): chr9:36,223,471, T>A on the plus strand (A>T on the coding strand, the complement: GNE is on the minus strand). VCF-style: chr9-36223471-T-A. GRCh37 (hg19) VCF-style: chr9-36223468-T-A.
Other names: c.1406A>T (NM_001128227.2); c.1406A>T, p.Asn469Ile (NM_001128227.3); c.1313A>T, p.Asn438Ile (NM_001190383.3); c.983A>T, p.Asn328Ile (NM_001190384.3); c.1136A>T, p.Asn379Ile (NM_001190388.2, NM_001374798.1); c.1160A>T, p.Asn387Ile (NM_001374797.1); short protein forms N379I, N387I, N328I, N438I, N469I.
Identifiers: ClinVar variation 1513191 (VCV001513191.8), dbSNP rs772723683, ClinGen allele CA5056503.